The following is an entry in ClinVar:

NM_006267.5(RANBP2):c.4498G>C (p.Ala1500Pro)

Gene: RANBP2 (RAN binding protein 2; plus strand). Cytogenetic location: 2q13.
Variant type: single nucleotide variant.
Coding change: c.4498G>C on transcript NM_006267.5 (MANE Select); coding-DNA position 4498, G replaced by C.
Protein change: p.Ala1500Pro; replaces alanine 1500 with proline.
Molecular consequence: missense variant.
Genome position (GRCh38, 1-based): chr2:108,765,037, G>C. VCF-style: chr2-108765037-G-C. GRCh37 (hg19) VCF-style: chr2-109381493-G-C.
Other names: short protein forms A1500P.
Identifiers: ClinVar variation 469460 (VCV000469460.17), dbSNP rs145284139, ClinGen allele CA1823123.

ClinVar aggregate classification (germline): Likely benign. Review status: criteria provided, multiple submitters, no conflicts (2 of 4 stars). 5 submissions from 5 submitters: Likely benign (2). 3 of the submissions do not count toward it. Last evaluated 2025-01-06.

Conditions:
RANBP2-related disorder. Also called: RANBP2-related condition.
Familial acute necrotizing encephalopathy (IIAE3). Also called: Susceptibility to Acute Necrotizing Encephalopathy 1; ENCEPHALOPATHY, ACUTE, INFECTION-INDUCED, SUSCEPTIBILITY TO, 3. Identifiers: Orphanet 88619, MedGen C2675556, MONDO:0011953, OMIM 608033.

Allele frequency attached by ClinVar (database versions not stated): gnomAD exomes 0.00012 and 0.00040; ExAC 0.00042; 1000 Genomes Project 0.00100; ESP Exome Variant Server 0.00115; gnomAD 0.00123 and 0.00133; 1000 Genomes Project 30x 0.00125; TOPMed 0.00137.
gnomAD v4.1: 357 of 1,613,790 alleles (0.022%); highest among the groups gnomAD compares: African/African-American, 0.37%; 2 homozygotes.

Submissions (5):

Labcorp Genetics (formerly Invitae), Labcorp
Classification: Likely benign for Familial acute necrotizing encephalopathy. Last evaluated: 2025-01-06. Review status: criteria provided, single submitter. Criteria: Invitae Variant Classification Sherloc (09022015). Collection method: clinical testing. Allele origin: germline.

Blueprint Genetics
Classification: Likely benign. Last evaluated: 2024-07-04. Review status: criteria provided, single submitter. Criteria: ACMG Guidelines, 2015. Collection method: clinical testing. Allele origin: germline.

PreventionGenetics, part of Exact Sciences
Classification: Uncertain significance for RANBP2-related condition. Last evaluated: 2024-01-11. Review status: no assertion criteria provided. Collection method: clinical testing. Allele origin: germline. Not counted in ClinVar's aggregate classification.
Comment: The RANBP2 c.4498G>C variant is predicted to result in the amino acid substitution p.Ala1500Pro. To our knowledge, this variant has not been reported in the literature. This variant is reported in 0.41% of alleles in individuals of African descent in gnomAD. At this time, the clinical significance of this variant is uncertain due to the absence of conclusive functional and genetic evidence.

Clinical Genetics DNA and cytogenetics Diagnostics Lab, Erasmus MC, Erasmus Medical Center
Classification: Likely benign. Review status: no assertion criteria provided. Collection method: clinical testing. Allele origin: germline. Affected: yes. Study: VKGL Data-share Consensus. Not counted in ClinVar's aggregate classification.

Diagnostic Laboratory, Department of Genetics, University Medical Center Groningen
Classification: Likely benign. Review status: no assertion criteria provided. Collection method: clinical testing. Allele origin: germline. Affected: yes. Study: VKGL Data-share Consensus. Not counted in ClinVar's aggregate classification.